The following is an entry in ClinVar:

ClinVar aggregate classification (germline): Conflicting classifications of pathogenicity. Review status: criteria provided, conflicting classifications (1 of 4 stars). 4 submissions from 4 submitters: Uncertain significance (3); Likely benign (1). Last evaluated 2026-07-03.

Conditions:
Inborn genetic diseases. Identifiers: MedGen C0950123, MeSH D030342.
NBAS-related disorder. Also called: NBAS-related condition.
Short stature-optic atrophy-Pelger-Huët anomaly syndrome. Also called: Short stature, optic nerve atrophy, and Pelger-Huet anomaly; Short stature-optic atrophy-Pelger-HuC+t anomaly syndrome. Identifiers: Orphanet 391677, MedGen C3541319, MONDO:0013889, OMIM 614800.

Allele frequency attached by ClinVar (database versions not stated): ExAC 0.00002; TOPMed 0.00006; gnomAD 0.00007; ESP Exome Variant Server 0.00015.
gnomAD v4.1: 25 of 1,613,322 alleles (0.0015%); highest among the groups gnomAD compares: African/African-American, 0.031%; no homozygotes.

Submissions (4):

PreventionGenetics, part of Exact Sciences
Classification: Uncertain significance for NBAS-related condition. Last evaluated: 2026-07-03. Review status: criteria provided, single submitter. Criteria: ACMG Guidelines, 2015. Collection method: clinical testing. Allele origin: germline.
Comment: The NBAS c.5116G>A variant is predicted to result in the amino acid substitution p.Glu1706Lys. To our knowledge, this variant has not been reported in the literature. This variant is reported in 0.036% of alleles in individuals of African descent in gnomAD. At this time, the clinical significance of this variant is uncertain due to the absence of conclusive functional and genetic evidence.

Labcorp Genetics (formerly Invitae), Labcorp
Classification: Likely benign. Last evaluated: 2025-09-15. Review status: criteria provided, single submitter. Criteria: Invitae Variant Classification Sherloc (09022015). Collection method: clinical testing. Allele origin: germline.

Ambry Genetics
Classification: Uncertain significance for Inborn genetic diseases. Last evaluated: 2023-11-29. Review status: criteria provided, single submitter. Criteria: Ambry Variant Classification Scheme 2023. Collection method: clinical testing. Allele origin: germline.

Illumina Laboratory Services, Illumina
Classification: Uncertain significance for Short stature-optic atrophy-Pelger-Huët anomaly syndrome. Last evaluated: 2023-09-26. Review status: criteria provided, single submitter. Criteria: ISL SNV Classification Criteria 03 February 2026. Collection method: clinical testing. Allele origin: unknown.
Comment: The NBAS c.5116G>A p.(Glu1706Lys) missense variant has not, to our knowledge, been reported in the peer-reviewed literature. This variant is not observed at a significant frequency in version 2.1.1 or version 3.1.2 of the Genome Aggregation Database. Based on the available evidence, the c.5116G>A p.(Glu1706Lys) variant is classified as a variant of uncertain significance.

NM_015909.4(NBAS):c.5116G>A (p.Glu1706Lys)

Gene: NBAS (NBAS subunit of NRZ tethering complex; minus strand). Cytogenetic location: 2p24.3.
Variant type: single nucleotide variant.
Coding change: c.5116G>A on transcript NM_015909.4 (MANE Select); coding-DNA position 5116, G replaced by A.
Protein change: p.Glu1706Lys; replaces glutamic acid 1706 with lysine.
Molecular consequence: missense variant. On other transcripts: non-coding transcript variant (1).
Genome position (GRCh38, 1-based): chr2:15,287,095, C>T on the plus strand (G>A on the coding strand, the complement: NBAS is on the minus strand). VCF-style: chr2-15287095-C-T. GRCh37 (hg19) VCF-style: chr2-15427219-C-T.
Other names: c.5116G>A (NM_015909.2, NM_015909.3); short protein forms E1706K.
Identifiers: ClinVar variation 2139118 (VCV002139118.6), dbSNP rs376032574, ClinGen allele CA1535381.